The following is an entry in ClinVar:

ClinVar aggregate classification (germline): Benign. Review status: criteria provided, multiple submitters, no conflicts (2 of 4 stars). 3 submissions from 3 submitters: Benign (3). Last evaluated 2024-07-31.

Allele frequency attached by ClinVar (database versions not stated): 1000 Genomes Project 30x 0.51983; 1000 Genomes Project 0.52037; TOPMed 0.57865; gnomAD 0.58770 and 0.59296; gnomAD exomes 0.59250.
gnomAD v4.1: 562,068 of 949,394 alleles (59%); highest among the groups gnomAD compares: Middle Eastern, 68%; 168,054 homozygotes.

Submissions (3):

Unidad de Genómica Garrahan, Hospital de Pediatría Garrahan
Classification: Benign. Last evaluated: 2024-07-31. Review status: criteria provided, single submitter. Criteria: ACMG Guidelines, 2015. Collection method: clinical testing. Allele origin: germline. Affected: no. Observed: 49 variant alleles.
Comment: This variant is classified as Benign based on local population frequency. This variant was detected in 53% of patients studied in a panel designed for Epileptic and Developmental Encephalopathy, Progressive Myoclonus Epilepsy and Abnormal Movements and Neurodegeneration with brain iron accumulation. Number of patients: 49. Only high quality variants are reported.

GeneDx
Classification: Benign. Last evaluated: 2018-06-14. Review status: criteria provided, single submitter. Criteria: GeneDx Variant Classification (06012015). Collection method: clinical testing. Allele origin: germline. Affected: yes.
Comment: This variant is considered likely benign or benign based on one or more of the following criteria: it is a conservative change, it occurs at a poorly conserved position in the protein, it is predicted to be benign by multiple in silico algorithms, and/or has population frequency not consistent with disease.

Breakthrough Genomics
Classification: Benign. Review status: criteria provided, single submitter. Criteria: ACMG Guidelines, 2015. Collection method: not provided. Allele origin: germline. Inheritance: Autosomal recessive inheritance. Affected: yes.

NM_004369.4(COL6A3):c.6471+106C>T

Gene: COL6A3 (collagen type VI alpha 3 chain; minus strand). Cytogenetic location: 2q37.3.
Variant type: single nucleotide variant.
Coding change: c.6471+106C>T on transcript NM_004369.4 (MANE Select); 106 bases into the intron after coding-DNA position 6471, C replaced by T.
Molecular consequence: intron variant.
Genome position (GRCh38, 1-based): chr2:237,358,415, G>A on the plus strand (C>T on the coding strand, the complement: COL6A3 is on the minus strand). VCF-style: chr2-237358415-G-A. GRCh37 (hg19) VCF-style: chr2-238267058-G-A.
Other names: c.4650+106C>T (NM_057166.5); c.5853+106C>T (NM_057167.4).
Identifiers: ClinVar variation 679229 (VCV000679229.4), dbSNP rs4663731, ClinGen allele CA15188694.
Genomic context (GRCh38, chr2:237,358,415, plus strand): 5'-CAACACATCTCCCCAAACCCCCAAACTGCAAGAAAAAGACAAAGCACATATTTTATCAAC[G>A]TGTTTTAAAGCAATTTCAAAAGTAGAATTCTTCCTTTCATCCCCCTTTCCCAACAACCCT-3'